The following is an entry in ClinVar:

ClinVar aggregate classification (germline): Uncertain significance (1 of 4 stars; one submission).

Allele frequency attached by ClinVar (database versions not stated): TOPMed below 0.00001.
gnomAD v4.1: 1 of 1,614,158 alleles (0.000062%); no homozygotes.

Submission:

Labcorp Genetics (formerly Invitae), Labcorp
Classification: Uncertain significance. Last evaluated: 2024-12-02. Review status: criteria provided, single submitter. Criteria: Invitae Variant Classification Sherloc (09022015). Collection method: clinical testing. Allele origin: germline.
Comment: This sequence change replaces glutamine, which is neutral and polar, with lysine, which is basic and polar, at codon 504 of the TUB protein (p.Gln504Lys). This variant is not present in population databases (gnomAD no frequency). This variant has not been reported in the literature in individuals affected with TUB-related conditions. ClinVar contains an entry for this variant (Variation ID: 1950904). An algorithm developed to predict the effect of missense changes on protein structure and function (PolyPhen-2) suggests that this variant is likely to be disruptive. In summary, the available evidence is currently insufficient to determine the role of this variant in disease. Therefore, it has been classified as a Variant of Uncertain Significance.

NM_177972.3(TUB):c.1345C>A (p.Gln449Lys)

Genes: RIC3 (RIC3 acetylcholine receptor chaperone; minus strand), TUB (TUB bipartite transcription factor; plus strand). Cytogenetic location: 11p15.4.
Variant type: single nucleotide variant.
Coding change: c.1345C>A on transcript NM_177972.3 (MANE Select); coding-DNA position 1345, C replaced by A.
Protein change: p.Gln449Lys; replaces glutamine 449 with lysine.
Molecular consequence: missense variant.
Genome position (GRCh38, 1-based): chr11:8,100,955, C>A. VCF-style: chr11-8100955-C-A. GRCh37 (hg19) VCF-style: chr11-8122502-C-A.
Other names: c.1510C>A, p.Gln504Lys (NM_003320.5); short protein forms Q504K, Q449K.
Identifiers: ClinVar variation 1950904 (VCV001950904.4), dbSNP rs920853989, ClinGen allele CA217429980.